The following is an entry in ClinVar:

NM_000478.6(ALPL):c.1283G>C (p.Arg428Pro)

Gene: ALPL (alkaline phosphatase, biomineralization associated; plus strand). Cytogenetic location: 1p36.12.
Variant type: single nucleotide variant.
Coding change: c.1283G>C on transcript NM_000478.6 (MANE Select); coding-DNA position 1283, G replaced by C.
Protein change: p.Arg428Pro; replaces arginine 428 with proline.
Molecular consequence: missense variant.
Genome position (GRCh38, 1-based): chr1:21,576,615, G>C. VCF-style: chr1-21576615-G-C. GRCh37 (hg19) VCF-style: chr1-21903108-G-C.
Other names: c.1118G>C, p.Arg373Pro (NM_001127501.4); c.1052G>C, p.Arg351Pro (NM_001177520.3); c.1283G>C, p.Arg428Pro (NM_001369803.2, NM_001369804.2, NM_001369805.2); short protein forms R351P, R373P, R428P.
Identifiers: ClinVar variation 992375 (VCV000992375.9), dbSNP rs1644741201, ClinGen allele CA338881851.
Genomic context (GRCh38, chr1:21,576,615, plus strand): 5'-AGCCCTTCACTGCCATCCTGTATGGCAATGGGCCTGGCTACAAGGTGGTGGGCGGTGAAC[G>C]AGAGAATGTCTCCATGGTGGACTATGGTGAGACCTCCAGGACCCAGGGCTGGGAGGGGAC-3'
Protein context (NP_000469.3, residues 418-438): GPGYKVVGGE[Arg428Pro]ENVSMVDYAH

ClinVar aggregate classification (germline): Pathogenic/Likely pathogenic. Review status: criteria provided, multiple submitters, no conflicts (2 of 4 stars). 3 submissions from 3 submitters: Pathogenic (1); Likely pathogenic (1). 1 of the submissions does not count toward it. Last evaluated 2025-08-29.

Conditions:
Hypophosphatasia. Also called: Phosphoethanol-aminuria. Identifiers: Orphanet 436, MedGen C0020630, MeSH D007014, MONDO:0018570.
Adult hypophosphatasia. Identifiers: Orphanet 247676, Orphanet 436, MedGen C0268413, MONDO:1010154, OMIM 146300, MONDO:0007798.

Submissions (3):

Genomenon, Inc
Classification: Likely pathogenic for Hypophosphatasia. Last evaluated: 2025-08-29. Review status: criteria provided, single submitter. Criteria: Genomenon Sequence Variant Interpretation Standards. Collection method: curation. Allele origin: germline. Affected: yes.
Comment: ALPL Arg428Pro (c.1283G>C) is a missense variant that changes the amino acid at residue 428 from Arginine to Proline. This variant has been observed in at least one proband affected with hypophosphatasia (PMID:27179278;32811521;17253930). It is absent or not present at a significant frequency in gnomAD. In silico models agree that this variant is possibly or probably damaging. In conclusion, we classify ALPL p.Arg428Pro (c.1283G>C) as a likely pathogenic variant.

Labcorp Genetics (formerly Invitae), Labcorp
Classification: Pathogenic. Last evaluated: 2024-05-01. Review status: criteria provided, single submitter. Criteria: Invitae Variant Classification Sherloc (09022015). Collection method: clinical testing. Allele origin: germline.
Comment: This sequence change replaces arginine, which is basic and polar, with proline, which is neutral and non-polar, at codon 428 of the ALPL protein (p.Arg428Pro). This variant is not present in population databases (gnomAD no frequency). This missense change has been observed in individual(s) with autosomal dominant and recessive hypophosphatasia (PMID: 17253930, 27179278; Invitae). ClinVar contains an entry for this variant (Variation ID: 992375). Advanced modeling of protein sequence and biophysical properties (such as structural, functional, and spatial information, amino acid conservation, physicochemical variation, residue mobility, and thermodynamic stability) performed at Invitae indicates that this missense variant is expected to disrupt ALPL protein function with a positive predictive value of 95%. This variant disrupts the p.Arg428 amino acid residue in ALPL. Other variant(s) that disrupt this residue have been determined to be pathogenic (PMID: 32066479, 33549410). This suggests that this residue is clinically significant, and that variants that disrupt this residue are likely to be disease-causing. For these reasons, this variant has been classified as Pathogenic.

Bioscientia Institut fuer Medizinische Diagnostik GmbH, Sonic Healthcare
Classification: Pathogenic for Adult hypophosphatasia. Last evaluated: 2020-06-17. Review status: no assertion criteria provided. Collection method: clinical testing. Allele origin: germline. Affected: yes. Not counted in ClinVar's aggregate classification.

Literature cited by the submitters: PubMed 27179278 (cited by Genomenon, Inc and Labcorp Genetics (formerly Invitae), Labcorp); PubMed 32811521 (cited by Genomenon, Inc); PubMed 17253930 (cited by Genomenon, Inc and Labcorp Genetics (formerly Invitae), Labcorp); PubMed 32066479 (cited by Labcorp Genetics (formerly Invitae), Labcorp); PubMed 33549410 (cited by Labcorp Genetics (formerly Invitae), Labcorp).